The following is an entry in ClinVar:

NM_002725.4(PRELP):c.684G>A (p.Leu228=)

Gene: PRELP (proline and arginine rich end leucine rich repeat protein; plus strand). Cytogenetic location: 1q32.1.
Variant type: single nucleotide variant.
Coding change: c.684G>A on transcript NM_002725.4 (MANE Select); coding-DNA position 684, G replaced by A.
Protein change: p.Leu228=; no amino-acid change (leucine 228 retained).
Molecular consequence: synonymous variant.
Genome position (GRCh38, 1-based): chr1:203,483,868, G>A. VCF-style: chr1-203483868-G-A. GRCh37 (hg19) VCF-style: chr1-203452996-G-A.
Other names: c.684G>A, p.Leu228= (NM_201348.2).
Identifiers: ClinVar variation 2639817 (VCV002639817.24), dbSNP rs139420607, ClinGen allele CA1340774.
Genomic context (GRCh38, chr1:203,483,868, plus strand): 5'-CGACGGCGTCTTCAAGCCCGACACCTTCCATGGCCTCAAGAACCTCATGCAGCTCAACCT[G>A]GCCCACAACATCCTGAGAAAGATGCCGCCCAGGGTCCCCACCGCCATTCACCAGCTCTAC-3'
Protein context (NP_002716.1, residues 218-238): HGLKNLMQLN[Leu228=]AHNILRKMPP

ClinVar aggregate classification (germline): Likely benign (1 of 4 stars; one submission).

Allele frequency attached by ClinVar (database versions not stated): 1000 Genomes Project 30x 0.00078; 1000 Genomes Project 0.00100; TOPMed 0.00335; gnomAD 0.00344; ESP Exome Variant Server 0.00415.
gnomAD v4.1: 7,677 of 1,614,164 alleles (0.48%); highest among the groups gnomAD compares: Non-Finnish European, 0.55%; 18 homozygotes.

Submission:

CeGaT Center for Human Genetics Tuebingen
Classification: Likely benign. Last evaluated: 2022-05-01. Review status: criteria provided, single submitter. Criteria: CeGaT Center For Human Genetics Tuebingen Variant Classification Criteria Version 2. Collection method: clinical testing. Allele origin: germline. Affected: yes. Observed: 1 variant allele.
Comment: PRELP: BP4, BP7